The following is an entry in ClinVar:

NM_031935.3(HMCN1):c.4624A>G (p.Ile1542Val)

Gene: HMCN1 (hemicentin 1; plus strand). Cytogenetic location: 1q31.1.
Variant type: single nucleotide variant.
Coding change: c.4624A>G on transcript NM_031935.3 (MANE Select); coding-DNA position 4624, A replaced by G.
Protein change: p.Ile1542Val; replaces isoleucine 1542 with valine.
Molecular consequence: missense variant.
Genome position (GRCh38, 1-based): chr1:186,007,276, A>G. VCF-style: chr1-186007276-A-G. GRCh37 (hg19) VCF-style: chr1-185976408-A-G.
Other names: c.4624A>G (NM_031935.2); short protein forms I1542V.
Identifiers: ClinVar variation 1486532 (VCV001486532.7), dbSNP rs2102095661, ClinGen allele CA343881931.

ClinVar aggregate classification (germline): Conflicting classifications of pathogenicity. Review status: criteria provided, conflicting classifications (1 of 4 stars). 2 submissions from 2 submitters: Uncertain significance (1); Likely benign (1). Last evaluated 2024-12-02.

Allele frequency attached by ClinVar (database versions not stated): gnomAD exomes 0.00001.
gnomAD v4.1: 24 of 1,613,470 alleles (0.0015%); highest among the groups gnomAD compares: Non-Finnish European, 0.0015%; no homozygotes.

Submissions (2):

Labcorp Genetics (formerly Invitae), Labcorp
Classification: Uncertain significance. Last evaluated: 2024-12-02. Review status: criteria provided, single submitter. Criteria: Invitae Variant Classification Sherloc (09022015). Collection method: clinical testing. Allele origin: germline.
Comment: This sequence change replaces isoleucine, which is neutral and non-polar, with valine, which is neutral and non-polar, at codon 1542 of the HMCN1 protein (p.Ile1542Val). This variant is not present in population databases (gnomAD no frequency). This variant has not been reported in the literature in individuals affected with HMCN1-related conditions. ClinVar contains an entry for this variant (Variation ID: 1486532). An algorithm developed to predict the effect of missense changes on protein structure and function outputs the following: PolyPhen-2: "Benign". The valine amino acid residue is found in multiple mammalian species, which suggests that this missense change does not adversely affect protein function. In summary, the available evidence is currently insufficient to determine the role of this variant in disease. Therefore, it has been classified as a Variant of Uncertain Significance.

Ambry Genetics
Classification: Likely benign. Last evaluated: 2022-04-01. Review status: criteria provided, single submitter. Criteria: Ambry Variant Classification Scheme 2023. Collection method: clinical testing. Allele origin: germline.